The following is an entry in ClinVar:

ClinVar aggregate classification (germline): Pathogenic (1 of 4 stars; one submission).

Conditions:
Inborn genetic diseases. Identifiers: MedGen C0950123, MeSH D030342.

Submission:

Ambry Genetics
Classification: Pathogenic for Inborn genetic diseases. Last evaluated: 2025-03-07. Review status: criteria provided, single submitter. Criteria: Ambry Variant Classification Scheme 2023. Collection method: clinical testing. Allele origin: germline.
Comment: The c.645delT (p.F215Lfs*17) alteration, located in exon 5 (coding exon 4) of the NNT gene, consists of a deletion of one nucleotide at position 645, causing a translational frameshift with a predicted alternate stop codon after 17 amino acids. This alteration is expected to result in loss of function by premature protein truncation or nonsense-mediated mRNA decay. Based on data from gnomAD, the - allele has an overall frequency of 0.001% (2/230676) total alleles studied. The highest observed frequency was 0.007% (1/14624) of African alleles. Based on the available evidence, this alteration is classified as pathogenic.

NM_182977.3(NNT):c.645del (p.Phe215fs)

Gene: NNT (nicotinamide nucleotide transhydrogenase; plus strand). Cytogenetic location: 5p12.
Variant type: Deletion.
Coding change: c.645del on transcript NM_182977.3 (MANE Select); coding-DNA position 645, one base deleted (T; older notation c.645delT).
Protein change: p.Phe215fs; shifts the reading frame from phenylalanine 215.
Molecular consequence: frameshift variant.
Genome position (GRCh38, 1-based): chr5:43,619,077, T deleted; the last of 7 consecutive T bases (chr5:43,619,071-43,619,077); deleting any one gives the same sequence. VCF-style (leftmost placement, unchanged base first): chr5-43619070-GT-G. GRCh37 (hg19) VCF-style: chr5-43619172-GT-G.
Other names: c.252del, p.Phe84fs (NM_001331026.2); c.645del, p.Phe215fs (NM_012343.4); short protein forms F84fs, F215fs.
Identifiers: ClinVar variation 3880151 (VCV003880151.1).